The following is an entry in ClinVar:

ClinVar aggregate classification (germline): Uncertain significance. Review status: criteria provided, multiple submitters, no conflicts (2 of 4 stars). 2 submissions from 2 submitters: Uncertain significance (2). Last evaluated 2025-01-21.

Conditions:
Cardiovascular phenotype. Identifiers: MedGen CN230736.
Dilated cardiomyopathy 1JJ (CMD1JJ). Identifiers: Orphanet 154, MedGen C3808935, MONDO:0014095, OMIM 615235.

Allele frequency attached by ClinVar (database versions not stated): TOPMed below 0.00001; gnomAD 0.00001.
gnomAD v4.1: 7 of 1,612,832 alleles (0.00043%); highest among the groups gnomAD compares: East Asian, 0.0022%; no homozygotes.

Submissions (2):

Ambry Genetics
Classification: Uncertain significance for Cardiovascular phenotype. Last evaluated: 2025-01-21. Review status: criteria provided, single submitter. Criteria: Ambry Variant Classification Scheme 2023. Collection method: clinical testing. Allele origin: germline.
Comment: The p.R1257* variant (also known as c.3769C>T), located in coding exon 27 of the LAMA4 gene, results from a C to T substitution at nucleotide position 3769. This changes the amino acid from an arginine to a stop codon within coding exon 27. This alteration is expected to result in premature protein truncation or nonsense-mediated mRNA decay. However, loss of function of LAMA4 has not been clearly established as a mechanism of disease. The evidence for this gene-disease relationship is limited; therefore, the clinical significance of this alteration is unclear.

Labcorp Genetics (formerly Invitae), Labcorp
Classification: Uncertain significance for Dilated cardiomyopathy 1JJ. Last evaluated: 2024-05-09. Review status: criteria provided, single submitter. Criteria: Invitae Variant Classification Sherloc (09022015). Collection method: clinical testing. Allele origin: germline.
Comment: This sequence change creates a premature translational stop signal (p.Arg1257*) in the LAMA4 gene. It is expected to result in an absent or disrupted protein product. However, the current clinical and genetic evidence is not sufficient to establish whether loss-of-function variants in LAMA4 cause disease. This variant is present in population databases (no rsID available, gnomAD 0.006%). This variant has not been reported in the literature in individuals affected with LAMA4-related conditions. ClinVar contains an entry for this variant (Variation ID: 1734732). In summary, the available evidence is currently insufficient to determine the role of this variant in disease. Therefore, it has been classified as a Variant of Uncertain Significance.

NM_001105206.3(LAMA4):c.3790C>T (p.Arg1264Ter)

Gene: LAMA4 (laminin subunit alpha 4; minus strand). Cytogenetic location: 6q21.
Variant type: single nucleotide variant.
Coding change: c.3790C>T on transcript NM_001105206.3 (MANE Select); coding-DNA position 3790, C replaced by T.
Protein change: p.Arg1264Ter; replaces arginine 1264 with a stop codon.
Molecular consequence: nonsense.
Genome position (GRCh38, 1-based): chr6:112,132,797, G>A on the plus strand (C>T on the coding strand, the complement: LAMA4 is on the minus strand). VCF-style: chr6-112132797-G-A. GRCh37 (hg19) VCF-style: chr6-112453999-G-A.
Other names: c.3769C>T, p.Arg1257Ter (NM_001105207.3, NM_002290.5); short protein forms R1257*, R1264*.
Identifiers: ClinVar variation 1734732 (VCV001734732.5), dbSNP rs1424524225, ClinGen allele CA365374839.